The following is an entry in ClinVar:

ClinVar aggregate classification (germline): Uncertain significance (1 of 4 stars; one submission).

Conditions:
Mendelian susceptibility to mycobacterial diseases due to complete ISG15 deficiency. Also called: Immunodeficiency 38 with basal ganglia calcification; Immunodeficiency 38; IMMUNODEFICIENCY 38, MYCOBACTERIOSIS, AUTOSOMAL RECESSIVE; ISG15 DEFICIENCY, AUTOSOMAL RECESSIVE. Identifiers: Orphanet 319563, MedGen C4015293, MONDO:0014502, OMIM 616126.

Submission:

Labcorp Genetics (formerly Invitae), Labcorp
Classification: Uncertain significance for Mendelian susceptibility to mycobacterial diseases due to complete ISG15 deficiency. Last evaluated: 2020-08-07. Review status: criteria provided, single submitter. Criteria: Invitae Variant Classification Sherloc (09022015). Collection method: clinical testing. Allele origin: germline.
Comment: In summary, the available evidence is currently insufficient to determine the role of this variant in disease. Therefore, it has been classified as a Variant of Uncertain Significance. Experimental studies and prediction algorithms are not available or were not evaluated, and the functional significance of this variant is currently unknown. This variant has not been reported in the literature in individuals with ISG15-related conditions. This variant is not present in population databases (ExAC no frequency). This sequence change results in a premature translational stop signal in the ISG15 gene (p.Gln134*). While this is not anticipated to result in nonsense mediated decay, it is expected to disrupt the last 32 amino acids of the ISG15 protein.

NM_005101.4(ISG15):c.400C>T (p.Gln134Ter)

Gene: ISG15 (ISG15 ubiquitin like modifier; plus strand). Cytogenetic location: 1p36.33.
Variant type: single nucleotide variant.
Coding change: c.400C>T on transcript NM_005101.4 (MANE Select); coding-DNA position 400, C replaced by T.
Protein change: p.Gln134Ter; replaces glutamine 134 with a stop codon.
Molecular consequence: nonsense.
Genome position (GRCh38, 1-based): chr1:1,014,380, C>T. VCF-style: chr1-1014380-C-T. GRCh37 (hg19) VCF-style: chr1-949760-C-T.
Other names: short protein forms Q134*.
Identifiers: ClinVar variation 1039103 (VCV001039103.6), dbSNP rs1644251525, ClinGen allele CA337805626.